The following is an entry in ClinVar:

NM_002900.3(RBP3):c.973G>A (p.Ala325Thr)

Gene: RBP3 (retinol binding protein 3; plus strand). Cytogenetic location: 10q11.22.
Variant type: single nucleotide variant.
Coding change: c.973G>A on transcript NM_002900.3 (MANE Select); coding-DNA position 973, G replaced by A.
Protein change: p.Ala325Thr; replaces alanine 325 with threonine.
Molecular consequence: missense variant.
Genome position (GRCh38, 1-based): chr10:47,349,457, G>A. VCF-style: chr10-47349457-G-A. GRCh37 (hg19) VCF-style: chr10-48389905-C-T.
Other names: short protein forms A325T.
Identifiers: ClinVar variation 193244 (VCV000193244.11), dbSNP rs368898051, ClinGen allele CA238758.

ClinVar aggregate classification (germline): Uncertain significance. Review status: criteria provided, multiple submitters, no conflicts (2 of 4 stars). 5 submissions from 5 submitters: Uncertain significance (3). 2 of the submissions do not count toward it. Last evaluated 2025-03-17.

Conditions:
Retinitis pigmentosa 66 (RP66). Identifiers: Orphanet 791, MedGen C3715216, MONDO:0014093, OMIM 615233.
Retinal dystrophy. Also called: Inherited retinal dystrophy. Identifiers: Orphanet 71862, MedGen C0854723, MeSH D058499, MONDO:0019118, HP:0000556.

Allele frequency attached by ClinVar (database versions not stated): ExAC 0.00005; gnomAD exomes 0.00006 and 0.00007; TOPMed 0.00007; gnomAD 0.00012; ESP Exome Variant Server 0.00015.

Submissions (5):

Labcorp Genetics (formerly Invitae), Labcorp
Classification: Uncertain significance. Last evaluated: 2025-03-17. Review status: criteria provided, single submitter. Criteria: Invitae Variant Classification Sherloc (09022015). Collection method: clinical testing. Allele origin: germline.
Comment: This sequence change replaces alanine, which is neutral and non-polar, with threonine, which is neutral and polar, at codon 325 of the RBP3 protein (p.Ala325Thr). This variant is present in population databases (rs368898051, gnomAD 0.01%). This missense change has been observed in individual(s) with retinitis pigmentosa (PMID: 19074801). ClinVar contains an entry for this variant (Variation ID: 193244). Invitae Evidence Modeling of protein sequence and biophysical properties (such as structural, functional, and spatial information, amino acid conservation, physicochemical variation, residue mobility, and thermodynamic stability) indicates that this missense variant is not expected to disrupt RBP3 protein function with a negative predictive value of 80%. In summary, the available evidence is currently insufficient to determine the role of this variant in disease. Therefore, it has been classified as a Variant of Uncertain Significance.

Blueprint Genetics
Classification: Uncertain significance. Last evaluated: 2024-11-20. Review status: criteria provided, single submitter. Criteria: ACMG Guidelines, 2015. Collection method: clinical testing. Allele origin: germline.

Eurofins Ntd Llc (ga)
Classification: Uncertain significance. Last evaluated: 2014-08-25. Review status: criteria provided, single submitter. Criteria: EGL Classification Definitions 2015. Collection method: clinical testing. Allele origin: germline. Observed: 1 variant allele, 1 heterozygote.

Institute of Human Genetics, Univ. Regensburg, Univ. Regensburg
Classification: Uncertain significance for Retinal dystrophy. Last evaluated: 2015-01-01. Review status: no assertion criteria provided. Criteria: ACMG Guidelines, 2015. Collection method: clinical testing. Allele origin: germline. Affected: yes. Not counted in ClinVar's aggregate classification.

ClinVar Staff, National Center for Biotechnology Information (NCBI)
Classification: Uncertain significance for Retinitis pigmentosa 66. Last evaluated: 2013-06-27. Review status: no assertion criteria provided. Collection method: literature only. Allele origin: germline. Affected: yes. Not counted in ClinVar's aggregate classification.

Literature cited by the submitters: PubMed 19074801 (cited by 3 submitters).